The following is an entry in ClinVar:

NM_001903.5(CTNNA1):c.879del (p.Pro293_Leu294insTer)

Gene: CTNNA1 (catenin alpha 1; plus strand). Cytogenetic location: 5q31.2.
Variant type: Deletion.
Coding change: c.879del on transcript NM_001903.5 (MANE Select); coding-DNA position 879, one base deleted (C; older notation c.879delC).
Protein change: p.Pro293_Leu294insTer.
Molecular consequence: frameshift variant.
Genome position (GRCh38, 1-based): chr5:138,827,535, C deleted; the last of 4 consecutive C bases (chr5:138,827,532-138,827,535); deleting any one gives the same sequence. VCF-style (leftmost placement, unchanged base first): chr5-138827531-AC-A. GRCh37 (hg19) VCF-style: chr5-138163220-AC-A.
Other names: c.879del, p.Pro293_Leu294insTer (NM_001290307.3, NM_001323982.2, NM_001323983.1 and 3 more transcripts); c.570del, p.Pro190_Leu191insTer (NM_001290309.3); c.510del, p.Pro170_Leu171insTer (NM_001290310.3).
Identifiers: ClinVar variation 999966 (VCV000999966.6), dbSNP rs1760844159, ClinGen allele CA1586036903.

ClinVar aggregate classification (germline): Pathogenic (1 of 4 stars; one submission).

Submission:

Labcorp Genetics (formerly Invitae), Labcorp
Classification: Pathogenic. Last evaluated: 2024-01-05. Review status: criteria provided, single submitter. Criteria: Invitae Variant Classification Sherloc (09022015). Collection method: clinical testing. Allele origin: germline.
Comment: This sequence change creates a premature translational stop signal (p.Leu294*) in the CTNNA1 gene. It is expected to result in an absent or disrupted protein product. Loss-of-function variants in CTNNA1 are known to be pathogenic (PMID: 32051609, 34425242). This variant is not present in population databases (gnomAD no frequency). This variant has not been reported in the literature in individuals affected with CTNNA1-related conditions. ClinVar contains an entry for this variant (Variation ID: 999966). For these reasons, this variant has been classified as Pathogenic.

Literature cited by the submitters: PubMed 32051609; PubMed 34425242.